The following is an entry in ClinVar:

NM_001256012.3(MYH10):c.3043G>C (p.Glu1015Gln)

Gene: MYH10 (myosin heavy chain 10; minus strand). Cytogenetic location: 17p13.1.
Variant type: single nucleotide variant.
Coding change: c.3043G>C on transcript NM_001256012.3 (MANE Select); coding-DNA position 3043, G replaced by C.
Protein change: p.Glu1015Gln; replaces glutamic acid 1015 with glutamine.
Molecular consequence: missense variant.
Genome position (GRCh38, 1-based): chr17:8,509,859, C>G on the plus strand (G>C on the coding strand, the complement: MYH10 is on the minus strand). VCF-style: chr17-8509859-C-G. GRCh37 (hg19) VCF-style: chr17-8413177-C-G.
Other names: c.2977G>C, p.Glu993Gln (NM_001256095.2); c.2980G>C, p.Glu994Gln (NM_001375266.1); c.2950G>C, p.Glu984Gln (NM_005964.5); short protein forms E1015Q, E984Q, E993Q, E994Q.
Identifiers: ClinVar variation 3361275 (VCV003361275.1).

ClinVar aggregate classification (germline): Uncertain significance (1 of 4 stars; one submission).

Submission:

GeneDx
Classification: Uncertain significance. Last evaluated: 2023-07-19. Review status: criteria provided, single submitter. Criteria: GeneDx Variant Classification Process June 2021. Collection method: clinical testing. Allele origin: germline. Affected: yes.
Comment: Not observed at significant frequency in large population cohorts (gnomAD); In silico analysis supports that this missense variant has a deleterious effect on protein structure/function; Has not been previously published as pathogenic or benign to our knowledge